The following is an entry in ClinVar:

NM_199420.4(POLQ):c.3835G>A (p.Glu1279Lys)

Gene: POLQ (DNA polymerase theta; minus strand). Cytogenetic location: 3q13.33.
Variant type: single nucleotide variant.
Coding change: c.3835G>A on transcript NM_199420.4 (MANE Select); coding-DNA position 3835, G replaced by A.
Protein change: p.Glu1279Lys; replaces glutamic acid 1279 with lysine.
Molecular consequence: missense variant.
Genome position (GRCh38, 1-based): chr3:121,489,096, C>T on the plus strand (G>A on the coding strand, the complement: POLQ is on the minus strand). VCF-style: chr3-121489096-C-T. GRCh37 (hg19) VCF-style: chr3-121207943-C-T.
Other names: short protein forms E1279K.
Identifiers: ClinVar variation 3229967 (VCV003229967.1), dbSNP rs1300857731, ClinGen allele CA354096998.

ClinVar aggregate classification (germline): Uncertain significance (1 of 4 stars; one submission).

Allele frequency attached by ClinVar (database versions not stated): gnomAD 0.00001; TOPMed 0.00001.

Submission:

Ambry Genetics
Classification: Uncertain significance. Last evaluated: 2024-01-01. Review status: criteria provided, single submitter. Criteria: Ambry Variant Classification Scheme 2023. Collection method: clinical testing. Allele origin: germline.
Comment: The p.E1279K variant (also known as c.3835G>A), located in coding exon 16 of the POLQ gene, results from a G to A substitution at nucleotide position 3835. The glutamic acid at codon 1279 is replaced by lysine, an amino acid with similar properties. This amino acid position is conserved. In addition, this alteration is predicted to be tolerated by in silico analysis. Since supporting evidence is limited at this time, the clinical significance of this alteration remains unclear.